The following is an entry in ClinVar:

NM_024120.5(NDUFAF5):c.327+2T>C

Gene: NDUFAF5 (NADH:ubiquinone oxidoreductase complex assembly factor 5; plus strand). Cytogenetic location: 20p12.1.
Variant type: single nucleotide variant.
Coding change: c.327+2T>C on transcript NM_024120.5 (MANE Select); the canonical splice donor site of the intron after coding-DNA position 327, T replaced by C.
Molecular consequence: splice donor variant.
Genome position (GRCh38, 1-based): chr20:13,788,654, T>C. VCF-style: chr20-13788654-T-C. GRCh37 (hg19) VCF-style: chr20-13769300-T-C.
Other names: c.-235+2T>C (NM_001352407.2); c.-255+2T>C (NM_001352406.2); c.327+2T>C (NM_001039375.3, NM_001352408.2); c.-41+2T>C (NM_001352403.2).
Identifiers: ClinVar variation 2063118 (VCV002063118.5), dbSNP rs2516118563, ClinGen allele CA408282753.

ClinVar aggregate classification (germline): Likely pathogenic. Review status: criteria provided, multiple submitters, no conflicts (2 of 4 stars). 2 submissions from 2 submitters: Likely pathogenic (2). Last evaluated 2023-12-31.

Conditions:
Mitochondrial complex I deficiency, nuclear type 16. Also called: Mitochondrial complex 1 deficiency, nuclear type 16. Identifiers: MedGen C4748785, MONDO:0032621, OMIM 618238.

Submissions (2):

Labcorp Genetics (formerly Invitae), Labcorp
Classification: Likely pathogenic. Last evaluated: 2023-12-31. Review status: criteria provided, single submitter. Criteria: Invitae Variant Classification Sherloc (09022015). Collection method: clinical testing. Allele origin: germline.
Comment: This sequence change affects a donor splice site in intron 3 of the NDUFAF5 gene. It is expected to disrupt RNA splicing. Variants that disrupt the donor or acceptor splice site typically lead to a loss of protein function (PMID: 16199547), and loss-of-function variants in NDUFAF5 are known to be pathogenic (PMID: 26275793, 30473481, 32918965). This variant is not present in population databases (gnomAD no frequency). This variant has not been reported in the literature in individuals affected with NDUFAF5-related conditions. ClinVar contains an entry for this variant (Variation ID: 2063118). Algorithms developed to predict the effect of sequence changes on RNA splicing suggest that this variant may disrupt the consensus splice site. In summary, the currently available evidence indicates that the variant is pathogenic, but additional data are needed to prove that conclusively. Therefore, this variant has been classified as Likely Pathogenic.

Baylor Genetics
Classification: Likely pathogenic for Mitochondrial complex I deficiency, nuclear type 16. Last evaluated: 2023-09-09. Review status: criteria provided, single submitter. Criteria: ACMG Guidelines, 2015. Collection method: clinical testing. Allele origin: unknown.

Literature cited by the submitters: PubMed 16199547 (cited by Labcorp Genetics (formerly Invitae), Labcorp); PubMed 26275793 (cited by Labcorp Genetics (formerly Invitae), Labcorp); PubMed 30473481 (cited by Labcorp Genetics (formerly Invitae), Labcorp); PubMed 32918965 (cited by Labcorp Genetics (formerly Invitae), Labcorp).